The following is an entry in ClinVar:

NM_001145809.2(MYH14):c.693+6C>T

Gene: MYH14 (myosin heavy chain 14; plus strand). Cytogenetic location: 19q13.33.
Variant type: single nucleotide variant.
Coding change: c.693+6C>T on transcript NM_001145809.2 (MANE Select); 6 bases into the intron after coding-DNA position 693, C replaced by T.
Molecular consequence: intron variant.
Genome position (GRCh38, 1-based): chr19:50,223,355, C>T. VCF-style: chr19-50223355-C-T. GRCh37 (hg19) VCF-style: chr19-50726612-C-T.
Other names: c.693+6C>T (NM_001077186.2, NM_024729.4).
Identifiers: ClinVar variation 388959 (VCV000388959.1), dbSNP rs1057523288, ClinGen allele CA16608222.
Genomic context (GRCh38, chr19:50,223,355, plus strand): 5'-GTACCTCGCCCACGTGGCGTCGTCTCCAAAGGGCAGGAAGGAGCCGGGTGTCCCCGTAAG[C>T]AACCCCGCCTTGGGTCACCCCCGGGCCCTGCCACAGCACTGCCCCTTCCATCTTGGGCTT-3'

ClinVar aggregate classification (germline): Likely benign (1 of 4 stars; one submission).

Submission:

GeneDx
Classification: Likely benign. Last evaluated: 2016-09-07. Review status: criteria provided, single submitter. Criteria: GeneDx Variant Classification (06012015). Collection method: clinical testing. Allele origin: germline. Affected: yes.
Comment: This variant is considered likely benign or benign based on one or more of the following criteria: it is a conservative change, it occurs at a poorly conserved position in the protein, it is predicted to be benign by multiple in silico algorithms, and/or has population frequency not consistent with disease.